The following is an entry in ClinVar:

ClinVar aggregate classification (germline): Uncertain significance (1 of 4 stars; one submission).

Conditions:
Oculofaciocardiodental syndrome (MCOPS2). Identifiers: Orphanet 2712, MedGen C1846265, MONDO:0010261, OMIM 300166.

Submission:

Labcorp Genetics (formerly Invitae), Labcorp
Classification: Uncertain significance for Oculofaciocardiodental syndrome. Last evaluated: 2023-03-26. Review status: criteria provided, single submitter. Criteria: Invitae Variant Classification Sherloc (09022015). Collection method: clinical testing. Allele origin: germline.
Comment: In summary, the available evidence is currently insufficient to determine the role of this variant in disease. Therefore, it has been classified as a Variant of Uncertain Significance. An algorithm developed to predict the effect of missense changes on protein structure and function (PolyPhen-2) suggests that this variant is likely to be disruptive. This variant has not been reported in the literature in individuals affected with BCOR-related conditions. The frequency data for this variant in the population databases is considered unreliable, as metrics indicate poor data quality at this position in the gnomAD database. This sequence change replaces glutamine, which is neutral and polar, with leucine, which is neutral and non-polar, at codon 1272 of the BCOR protein (p.Gln1272Leu).

NM_001123385.2(BCOR):c.3917A>T (p.Gln1306Leu)

Gene: BCOR (BCL6 corepressor; minus strand). Cytogenetic location: Xp11.4.
Variant type: single nucleotide variant.
Coding change: c.3917A>T on transcript NM_001123385.2 (MANE Select); coding-DNA position 3917, A replaced by T.
Protein change: p.Gln1306Leu; replaces glutamine 1306 with leucine.
Molecular consequence: missense variant.
Genome position (GRCh38, 1-based): chrX:40,063,002, T>A on the plus strand (A>T on the coding strand, the complement: BCOR is on the minus strand). VCF-style: chrX-40063002-T-A. GRCh37 (hg19) VCF-style: chrX-39922255-T-A.
Other names: c.3815A>T, p.Gln1272Leu (NM_001123383.2, NM_017745.6); c.3761A>T, p.Gln1254Leu (NM_001123384.2); short protein forms Q1254L, Q1272L, Q1306L.
Identifiers: ClinVar variation 3024068 (VCV003024068.1), dbSNP rs1215498551, ClinGen allele CA412737197.